The following is an entry in ClinVar:

NM_144997.7(FLCN):c.1389C>T (p.Tyr463=)

Gene: FLCN (folliculin; minus strand). Cytogenetic location: 17p11.2.
Variant type: single nucleotide variant.
Coding change: c.1389C>T on transcript NM_144997.7 (MANE Select); coding-DNA position 1389, C replaced by T.
Protein change: p.Tyr463=; no amino-acid change (tyrosine 463 retained).
Molecular consequence: synonymous variant.
Genome position (GRCh38, 1-based): chr17:17,215,228, G>A on the plus strand (C>T on the coding strand, the complement: FLCN is on the minus strand). VCF-style: chr17-17215228-G-A. GRCh37 (hg19) VCF-style: chr17-17118542-G-A.
Other names: c.1389C>T (LRG_325t1, NM_144997.6); c.1443C>T, p.Tyr481= (NM_001353229.2); c.1389C>T, p.Tyr463= (NM_001353230.2, NM_001353231.2).
Identifiers: ClinVar variation 241917 (VCV000241917.20), dbSNP rs137852929, ClinGen allele CA8416011.
Genomic context (GRCh38, chr17:17,215,228, plus strand): 5'-TGCCTGGGGGCACCCACCTCGGTCTGCAGCTACAGGGCTCCCACTGGTCACCACAAACTC[G>A]TACTTGCTGAGAGACTGGTCATCCTCACACCCCACAGGGTGGAGGGTGGAACGTGCGGCT-3'
Protein context (NP_659434.2, residues 453-473): GCEDDQSLSK[Tyr463=]EFVVTSGSPV

ClinVar aggregate classification (germline): Benign/Likely benign. Review status: criteria provided, multiple submitters, no conflicts (2 of 4 stars). 7 submissions from 7 submitters: Benign (2); Likely benign (5). Last evaluated 2026-03-17.

Conditions:
Birt-Hogg-Dube syndrome 1 (BHD1). Also called: FIBROFOLLICULOMAS WITH TRICHODISCOMAS AND ACROCHORDONS. Identifiers: Orphanet 122, MedGen CN375946, MONDO:0800445, OMIM 135150.
FLCN-related disorder. Also called: FLCN-related condition.
Hereditary cancer-predisposing syndrome. Also called: Neoplastic Syndromes, Hereditary; Hereditary neoplastic syndrome; Hereditary Cancer Syndrome; Tumor predisposition. Identifiers: Orphanet 140162, MedGen C0027672, MeSH D009386, MONDO:0015356.
Birt-Hogg-Dube syndrome. Also called: Birt Hogg Dubé syndrome. Identifiers: Orphanet 122, MedGen C0346010, MONDO:0800444.

Allele frequency attached by ClinVar (database versions not stated): gnomAD 0.00005; TOPMed 0.00005; gnomAD exomes 0.00006; ExAC 0.00007.
gnomAD v4.1: 47 of 1,614,082 alleles (0.0029%); highest among the groups gnomAD compares: South Asian, 0.011%; no homozygotes.

Submissions (7):

PreventionGenetics, part of Exact Sciences
Classification: Likely benign for FLCN-related condition. Last evaluated: 2026-03-17. Review status: criteria provided, single submitter. Criteria: ACMG Guidelines, 2015. Collection method: clinical testing. Allele origin: germline.
Comment: This variant is classified as likely benign based on ACMG/AMP sequence variant interpretation guidelines (Richards et al. 2015 PMID: 25741868, with internal and published modifications).

Labcorp Genetics (formerly Invitae), Labcorp
Classification: Likely benign for Birt-Hogg-Dube syndrome. Last evaluated: 2026-01-17. Review status: criteria provided, single submitter. Criteria: Invitae Variant Classification Sherloc (09022015). Collection method: clinical testing. Allele origin: germline.

Myriad Genetics, Inc.
Classification: Benign for Birt-Hogg-Dube syndrome 1. Last evaluated: 2024-10-24. Review status: criteria provided, single submitter. Criteria: Myriad Autosomal Dominant, Autosomal Recessive and X-Linked Classification Criteria (2023). Collection method: clinical testing. Allele origin: unknown.
Comment: This variant is considered benign. This variant is a silent/synonymous amino acid change and it is not expected to impact splicing.

Quest Diagnostics Nichols Institute San Juan Capistrano
Classification: Benign. Last evaluated: 2023-07-10. Review status: criteria provided, single submitter. Criteria: Quest Diagnostics criteria. Collection method: clinical testing. Allele origin: unknown.

KCCC/NGS Laboratory, Kuwait Cancer Control Center
Classification: Likely benign for Birt-Hogg-Dube syndrome 1. Last evaluated: 2023-07-07. Review status: criteria provided, single submitter. Criteria: ACMG Guidelines, 2015. Collection method: clinical testing. Allele origin: germline. Affected: yes.

GeneDx
Classification: Likely benign. Last evaluated: 2021-09-14. Review status: criteria provided, single submitter. Criteria: GeneDx Variant Classification Process June 2021. Collection method: clinical testing. Allele origin: germline. Affected: yes.

Ambry Genetics
Classification: Likely benign for Hereditary cancer-predisposing syndrome. Last evaluated: 2015-01-22. Review status: criteria provided, single submitter. Criteria: Ambry Variant Classification Scheme 2023. Collection method: clinical testing. Allele origin: germline.